The following is an entry in ClinVar:

NM_006005.3(WFS1):c.2096C>T (p.Thr699Met)

Gene: WFS1 (wolframin ER transmembrane glycoprotein; plus strand). Cytogenetic location: 4p16.1.
Variant type: single nucleotide variant.
Coding change: c.2096C>T on transcript NM_006005.3 (MANE Select); coding-DNA position 2096, C replaced by T.
Protein change: p.Thr699Met; replaces threonine 699 with methionine.
Molecular consequence: missense variant.
Genome position (GRCh38, 1-based): chr4:6,301,891, C>T. VCF-style: chr4-6301891-C-T. GRCh37 (hg19) VCF-style: chr4-6303618-C-T.
Other names: WFS1, THR699MET (rs28937894); c.2096C>T, p.Thr699Met (NM_001145853.1); short protein forms T699M.
Identifiers: ClinVar variation 4522 (VCV000004522.17), dbSNP rs28937894, ClinGen allele CA253201.
Genomic context (GRCh38, chr4:6,301,891, plus strand): 5'-AGGAGACCAACATGGCGCGCACCCAGATCCTCTGCAGCCACCTGGAGGGCCACAGGGTCA[C>T]GTGGACCGGCCGCTTCAAGTACGTCCGCGTGACTGACATCGACAACAGCGCCGAGTCTGC-3'
Protein context (NP_005996.2, residues 689-709): LCSHLEGHRV[Thr699Met]WTGRFKYVRV

ClinVar aggregate classification (germline): Conflicting classifications of pathogenicity. Review status: criteria provided, conflicting classifications (1 of 4 stars). 7 submissions from 7 submitters: Pathogenic (2); Likely pathogenic (3); Uncertain significance (1). 1 of the submissions does not count toward it. Last evaluated 2025-09-10.

Conditions:
WFS1-related disorder. Identifiers: MedGen CN379391, MONDO:0700293.
Monogenic hearing loss.
Type 2 diabetes mellitus. Also called: Type II diabetes mellitus. Identifiers: MedGen C0011860, MeSH D003924, MONDO:0005148, OMIM 125853, HP:0005978.
Autosomal dominant nonsyndromic hearing loss 6 (LFSNHL). Also called: Autosomal dominant nonsyndromic deafness 6; DEAFNESS, AUTOSOMAL DOMINANT 6; DEAFNESS, AUTOSOMAL DOMINANT 14; DEAFNESS, AUTOSOMAL DOMINANT 38. Identifiers: Orphanet 90635, MedGen C1833021, MONDO:0010963, OMIM 600965.
Wolfram-like syndrome. Also called: HEARING LOSS, PROGRESSIVE, WITH OPTIC ATROPHY AND/OR IMPAIRED GLUCOSE REGULATION. Identifiers: Orphanet 411590, MedGen C3280358, MONDO:0013673, OMIM 614296.
Wolfram syndrome 1 (WFS1). Identifiers: Orphanet 3463, MedGen C4551693, MONDO:0009101, OMIM 222300.
Cataract 41 (CTRCT41). Also called: CATARACT 41, CONGENITAL NUCLEAR TYPE. Identifiers: Orphanet 91492, Orphanet 98991, Orphanet 98992, Orphanet 98995, MedGen C3805412, MONDO:0007287, OMIM 116400.

Allele frequency attached by ClinVar (database versions not stated): gnomAD exomes below 0.00001; TOPMed 0.00001.

Submissions (7):

Genetics Laboratory, Great Ormond Street Hospital NHS Foundation Trust, North Thames Genomic Laboratory Hub
Classification: Pathogenic for Monogenic hearing loss. Last evaluated: 2025-09-10. Review status: criteria provided, single submitter. Criteria: ACGS Best Practice Guidelines for Variant Classification in Rare Disease 2024 v1.2. Collection method: clinical testing. Allele origin: germline. Affected: yes.
Comment: PS4_moderate, PM2_moderate, PP3_supporting, PP1_strong, PP4_supporting

Labcorp Genetics (formerly Invitae), Labcorp
Classification: Pathogenic. Last evaluated: 2023-08-19. Review status: criteria provided, single submitter. Criteria: Invitae Variant Classification Sherloc (09022015). Collection method: clinical testing. Allele origin: germline.
Comment: This missense change has been observed in individual(s) with deafness (PMID: 12073007). It has also been observed to segregate with disease in related individuals. This variant is not present in population databases (gnomAD no frequency). This sequence change replaces threonine, which is neutral and polar, with methionine, which is neutral and non-polar, at codon 699 of the WFS1 protein (p.Thr699Met). ClinVar contains an entry for this variant (Variation ID: 4522). Advanced modeling of protein sequence and biophysical properties (such as structural, functional, and spatial information, amino acid conservation, physicochemical variation, residue mobility, and thermodynamic stability) performed at Invitae indicates that this missense variant is expected to disrupt WFS1 protein function. For these reasons, this variant has been classified as Pathogenic.

GeneDx
Classification: Likely pathogenic. Last evaluated: 2023-02-02. Review status: criteria provided, single submitter. Criteria: GeneDx Variant Classification Process June 2021. Collection method: clinical testing. Allele origin: germline. Affected: yes.
Comment: Not observed at significant frequency in large population cohorts (gnomAD); In silico analysis supports that this missense variant has a deleterious effect on protein structure/function; This variant is associated with the following publications: (PMID: 20738327, 12955714, 14968315, 12181639, 16353398, 12650912, 36225977, Mazzoli2004[paper], 25250959, 20301750, 17492394, 12707188, 29529044, 19877185, 11709537, 18776598, 12073007)

Blueprint Genetics
Classification: Likely pathogenic for WFS1-related disorders. Last evaluated: 2022-06-03. Review status: criteria provided, single submitter. Criteria: ACMG Guidelines, 2015. Collection method: clinical testing. Allele origin: germline. Affected: yes. Observed: 3 variant alleles.

Genomic Diagnostic Laboratory, Division of Genomic Diagnostics, Children's Hospital of Philadelphia
Classification: Uncertain significance. Last evaluated: 2015-10-30. Review status: criteria provided, single submitter. Criteria: DGD Variant Analysis Guidelines. Collection method: clinical testing. Allele origin: unknown.

Juno Genomics, Hangzhou Juno Genomics, Inc
Classification: Likely pathogenic for Wolfram syndrome 1; Wolfram-like syndrome; Type 2 diabetes mellitus; Cataract 41; Autosomal dominant nonsyndromic hearing loss 6. Review status: criteria provided, single submitter. Criteria: ACMG Guidelines, 2015. Collection method: clinical testing. Allele origin: germline.
Comment: Absent from controls (or at extremely low frequency if recessive) in Genome Aggregation Database.;Multiple lines of computational evidence support a deleterious effect on the gene or gene product.;The prevalence of the variant in affected individuals is significantly increased compared to the prevalence in controls.;Co-segregation with disease in multiple affected family members.

OMIM
Classification: Pathogenic for DEAFNESS, AUTOSOMAL DOMINANT 6. Last evaluated: 2002-05-01. Review status: no assertion criteria provided. Collection method: literature only. Allele origin: germline. Not counted in ClinVar's aggregate classification.

Literature cited by the submitters: PubMed 12073007 (cited by Labcorp Genetics (formerly Invitae), Labcorp and OMIM); PubMed 11709537 (cited by OMIM).